The following is an entry in ClinVar:

ClinVar aggregate classification (germline): Pathogenic (1 of 4 stars; one submission).

Conditions:
Autosomal recessive nonsyndromic hearing loss 23. Identifiers: Orphanet 90636, MedGen C1836027, MONDO:0012293, OMIM 609533.

Submission:

Institute of Rare Diseases, West China Hospital, Sichuan University
Classification: Pathogenic for Autosomal recessive nonsyndromic hearing loss 23. Last evaluated: 2025-01-09. Review status: criteria provided, single submitter. Criteria: ClinGen HL ACMG Specifications v1. Collection method: research. Allele origin: germline. Affected: yes.
Comment: PVS1;PM3_Supporting;PM2_Supporting

NM_001384140.1(PCDH15):c.4671+1452_4671+1453del

Gene: PCDH15 (protocadherin related 15; minus strand). Cytogenetic location: 10q21.1.
Variant type: Microsatellite.
Coding change: c.4671+1452_4671+1453del on transcript NM_001384140.1 (MANE Select); bases 1452 to 1453 of the intron after coding-DNA position 4671, 2 bases deleted (AG; older notation c.4671+1452_4671+1453delAG).
Molecular consequence: intron variant. On other transcripts: frameshift variant (2), 3 prime UTR variant (1).
Genome position (GRCh38, 1-based): chr10:53,809,103-53,809,104, CT deleted on the plus strand (AG on the coding strand, the reverse complement: PCDH15 is on the minus strand); deleting any 2 consecutive bases within chr10:53,809,103-53,809,106 gives the same sequence; the c. name uses the placement nearest the transcript's 3' end. VCF-style (leftmost placement, unchanged base first): chr10-53809102-ACT-A. GRCh37 (hg19) VCF-style: chr10-55568862-ACT-A.
Other names: c.4959_4960AG[1], p.Glu1654Valfs (NM_001142769.4); c.*374AG[1] (NM_001142770.3); c.4940_4941del, p.Glu1647fs (NM_001354411.2); c.4476+1452_4476+1453del (NM_001354420.2); c.4605+1452_4605+1453del (NM_001354429.2); c.4482+1452_4482+1453del (NM_001142772.2); c.4497+1452_4497+1453del (NM_001142771.2); short protein forms E1647fs, E1654fs.
Identifiers: ClinVar variation 3601627 (VCV003601627.1).